The following is an entry in ClinVar:

ClinVar aggregate classification (germline): Uncertain significance (1 of 4 stars; one submission).

Allele frequency attached by ClinVar (database versions not stated): gnomAD exomes below 0.00001; gnomAD 0.00002; TOPMed 0.00006.

Submission:

Labcorp Genetics (formerly Invitae), Labcorp
Classification: Uncertain significance. Last evaluated: 2021-11-13. Review status: criteria provided, single submitter. Criteria: Invitae Variant Classification Sherloc (09022015). Collection method: clinical testing. Allele origin: germline.
Comment: This sequence change replaces histidine, which is basic and polar, with tyrosine, which is neutral and polar, at codon 1093 of the LOXHD1 protein (p.His1093Tyr). This variant is not present in population databases (gnomAD no frequency). This variant has not been reported in the literature in individuals affected with LOXHD1-related conditions. Algorithms developed to predict the effect of missense changes on protein structure and function are either unavailable or do not agree on the potential impact of this missense change (SIFT: "Deleterious"; PolyPhen-2: "Probably Damaging"; Align-GVGD: "Class C0"). In summary, the available evidence is currently insufficient to determine the role of this variant in disease. Therefore, it has been classified as a Variant of Uncertain Significance.

NM_001384474.1(LOXHD1):c.3277C>T (p.His1093Tyr)

Gene: LOXHD1 (lipoxygenase homology PLAT domains 1; minus strand). Cytogenetic location: 18q21.1.
Variant type: single nucleotide variant.
Coding change: c.3277C>T on transcript NM_001384474.1 (MANE Select); coding-DNA position 3277, C replaced by T.
Protein change: p.His1093Tyr; replaces histidine 1093 with tyrosine.
Molecular consequence: missense variant. On other transcripts: 5 prime UTR variant (1).
Genome position (GRCh38, 1-based): chr18:46,557,429, G>A on the plus strand (C>T on the coding strand, the complement: LOXHD1 is on the minus strand). VCF-style: chr18-46557429-G-A. GRCh37 (hg19) VCF-style: chr18-44137392-G-A.
Other names: c.-57C>T (NM_001145472.3); c.3277C>T, p.His1093Tyr (NM_144612.7); short protein forms H1093Y.
Identifiers: ClinVar variation 2150181 (VCV002150181.1), dbSNP rs2037388575, ClinGen allele CA402368768.